The following is an entry in ClinVar:

NM_000353.3(TAT):c.193G>A (p.Val65Met)

Gene: TAT (tyrosine aminotransferase; minus strand). Cytogenetic location: 16q22.2.
Variant type: single nucleotide variant.
Coding change: c.193G>A on transcript NM_000353.3 (MANE Select); coding-DNA position 193, G replaced by A.
Protein change: p.Val65Met; replaces valine 65 with methionine.
Molecular consequence: missense variant.
Genome position (GRCh38, 1-based): chr16:71,576,223, C>T on the plus strand (G>A on the coding strand, the complement: TAT is on the minus strand). VCF-style: chr16-71576223-C-T. GRCh37 (hg19) VCF-style: chr16-71610126-C-T.
Other names: short protein forms V65M.
Identifiers: ClinVar variation 2044788 (VCV002044788.3), dbSNP rs1325757098, ClinGen allele CA396654057.
Genomic context (GRCh38, chr16:71,576,223, plus strand): 5'-GTAGTGTCCCCAACTCACCAATGGACAGGGAAATCATGGTTTTGTTTGGATTTGGTTTCA[C>T]CTTCATGTTGTCCACAATGGCTCGGATGGGGTTGAAAGTTTTCTTGGCCATGTCTGAGGG-3'
Protein context (NP_000344.1, residues 55-75): PIRAIVDNMK[Val65Met]KPNPNKTMIS

ClinVar aggregate classification (germline): Uncertain significance (1 of 4 stars; one submission).

Conditions:
Tyrosinemia type II (TYRSN2). Also called: KERATOSIS PALMOPLANTARIS WITH CORNEAL DYSTROPHY; OREGON TYPE TYROSINEMIA; TAT DEFICIENCY; TYROSINE AMINOTRANSFERASE DEFICIENCY; TYROSINE TRANSAMINASE DEFICIENCY. Identifiers: Orphanet 28378, MedGen C0268487, MONDO:0010160, OMIM 276600.

Allele frequency attached by ClinVar (database versions not stated): gnomAD 0.00001; gnomAD exomes 0.00001; TOPMed 0.00001.
gnomAD v4.1: 6 of 1,614,052 alleles (0.00037%); highest among the groups gnomAD compares: Admixed American, 0.01%; no homozygotes.

Submission:

Labcorp Genetics (formerly Invitae), Labcorp
Classification: Uncertain significance for Tyrosinemia type II. Last evaluated: 2024-11-05. Review status: criteria provided, single submitter. Criteria: Invitae Variant Classification Sherloc (09022015). Collection method: clinical testing. Allele origin: germline.
Comment: This sequence change replaces valine, which is neutral and non-polar, with methionine, which is neutral and non-polar, at codon 65 of the TAT protein (p.Val65Met). This variant is present in population databases (no rsID available, gnomAD 0.009%). This variant has not been reported in the literature in individuals affected with TAT-related conditions. ClinVar contains an entry for this variant (Variation ID: 2044788). Invitae Evidence Modeling of protein sequence and biophysical properties (such as structural, functional, and spatial information, amino acid conservation, physicochemical variation, residue mobility, and thermodynamic stability) indicates that this missense variant is not expected to disrupt TAT protein function with a negative predictive value of 80%. In summary, the available evidence is currently insufficient to determine the role of this variant in disease. Therefore, it has been classified as a Variant of Uncertain Significance.